The following is an entry in ClinVar:

ClinVar aggregate classification (germline): Likely benign. Review status: criteria provided, multiple submitters, no conflicts (2 of 4 stars). 2 submissions from 2 submitters: Likely benign (2). Last evaluated 2023-12-03.

Allele frequency attached by ClinVar (database versions not stated): gnomAD exomes 0.00002 and 0.00003; gnomAD 0.00003 and 0.00002; TOPMed 0.00001; ExAC 0.00002.
gnomAD v4.1: 55 of 1,613,870 alleles (0.0034%); highest among the groups gnomAD compares: South Asian, 0.0044%; 1 homozygote.

Submissions (2):

Labcorp Genetics (formerly Invitae), Labcorp
Classification: Likely benign. Last evaluated: 2023-12-03. Review status: criteria provided, single submitter. Criteria: Invitae Variant Classification Sherloc (09022015). Collection method: clinical testing. Allele origin: germline.

Laboratory for Molecular Medicine, Mass General Brigham Personalized Medicine
Classification: Likely benign. Last evaluated: 2017-01-19. Review status: criteria provided, single submitter. Criteria: LMM Criteria. Collection method: clinical testing. Allele origin: germline. Observed: 2 variant alleles.
Comment: p.Ile445Ile in exon13 of OTOF: This variant is not expected to have clinical sig nificance because it does not alter an amino acid residue and is not located wit hin the splice consensus sequence. It has been identified in 2/16508 South Asian chromosomes and 1/66268 European chromosomes by the Exome Aggregation Consortiu m (ExAC; dbSNP rs749521853).

NM_194248.3(OTOF):c.1335C>T (p.Ile445=)

Gene: OTOF (otoferlin; minus strand). Cytogenetic location: 2p23.3.
Variant type: single nucleotide variant.
Coding change: c.1335C>T on transcript NM_194248.3 (MANE Select); coding-DNA position 1335, C replaced by T.
Protein change: p.Ile445=; no amino-acid change (isoleucine 445 retained).
Molecular consequence: synonymous variant.
Genome position (GRCh38, 1-based): chr2:26,483,519, G>A on the plus strand (C>T on the coding strand, the complement: OTOF is on the minus strand). VCF-style: chr2-26483519-G-A. GRCh37 (hg19) VCF-style: chr2-26706387-G-A.
Other names: c.1335C>T, p.Ile445= (NM_001287489.2).
Identifiers: ClinVar variation 517215 (VCV000517215.8), dbSNP rs749521853, ClinGen allele CA1564312.